The following is an entry in ClinVar:

NM_001358530.2(MOCS1):c.26T>G (p.Met9Arg)

Gene: MOCS1 (molybdenum cofactor synthesis 1; minus strand). Cytogenetic location: 6p21.2.
Variant type: single nucleotide variant.
Coding change: c.26T>G on transcript NM_001358530.2 (MANE Select); coding-DNA position 26, T replaced by G.
Protein change: p.Met9Arg; replaces methionine 9 with arginine.
Molecular consequence: missense variant. On other transcripts: 5 prime UTR variant (2), non-coding transcript variant (1).
Genome position (GRCh38, 1-based): chr6:39,934,392, A>C on the plus strand (T>G on the coding strand, the complement: MOCS1 is on the minus strand). VCF-style: chr6-39934392-A-C. GRCh37 (hg19) VCF-style: chr6-39902131-A-C.
Other names: c.26T>G, p.Met9Arg (NM_001075098.4, NM_001358529.2); c.-109T>G (NM_001358531.2, NM_001358533.2); short protein forms M9R.
Identifiers: ClinVar variation 1496712 (VCV001496712.8), dbSNP rs2149429524, ClinGen allele CA364030747.

ClinVar aggregate classification (germline): Uncertain significance (1 of 4 stars; one submission).

Conditions:
Sulfite oxidase deficiency due to molybdenum cofactor deficiency type A. Also called: Molybdenum cofactor deficiency, complementation group A; Molybdenum Cofactor Deficiency A. Identifiers: Orphanet 308386, Orphanet 833, MedGen C1854988, MONDO:0009643, OMIM 252150.

Submission:

Labcorp Genetics (formerly Invitae), Labcorp
Classification: Uncertain significance for Sulfite oxidase deficiency due to molybdenum cofactor deficiency type A. Last evaluated: 2021-02-17. Review status: criteria provided, single submitter. Criteria: Invitae Variant Classification Sherloc (09022015). Collection method: clinical testing. Allele origin: germline.
Comment: The frequency data for this variant in the population databases is considered unreliable, as metrics indicate insufficient coverage at this position in the ExAC database. This sequence change replaces methionine with arginine at codon 9 of the MOCS1 protein (p.Met9Arg). The methionine residue is moderately conserved and there is a moderate physicochemical difference between methionine and arginine. This variant has not been reported in the literature in individuals with MOCS1-related conditions. In summary, the available evidence is currently insufficient to determine the role of this variant in disease. Therefore, it has been classified as a Variant of Uncertain Significance. Algorithms developed to predict the effect of missense changes on protein structure and function are either unavailable or do not agree on the potential impact of this missense change (SIFT: "Deleterious"; PolyPhen-2: "Not Available"; Align-GVGD: "Class C0").